The following is an entry in ClinVar:

NM_001375524.1(TRRAP):c.10716G>T (p.Lys3572Asn)

Gene: TRRAP (transformation/transcription domain associated protein; plus strand). Cytogenetic location: 7q22.1.
Variant type: single nucleotide variant.
Coding change: c.10716G>T on transcript NM_001375524.1 (MANE Select); coding-DNA position 10716, G replaced by T.
Protein change: p.Lys3572Asn; replaces lysine 3572 with asparagine.
Molecular consequence: missense variant.
Genome position (GRCh38, 1-based): chr7:99,005,311, G>T. VCF-style: chr7-99005311-G-T. GRCh37 (hg19) VCF-style: chr7-98602934-G-T.
Other names: c.10674G>T, p.Lys3558Asn (NM_001244580.2); c.10587G>T, p.Lys3529Asn (NM_003496.4); short protein forms K3529N, K3558N, K3572N.
Identifiers: ClinVar variation 3255085 (VCV003255085.1), dbSNP rs2485060421.

ClinVar aggregate classification (germline): Uncertain significance (1 of 4 stars; one submission).

Conditions:
Developmental delay with or without dysmorphic facies and autism. Identifiers: MedGen C5193106, MONDO:0032760, OMIM 618454.

Submission:

Victorian Clinical Genetics Services, Murdoch Childrens Research Institute
Classification: Uncertain significance for Developmental delay with or without dysmorphic facies and autism. Last evaluated: 2023-12-21. Review status: criteria provided, single submitter. Criteria: ACMG Guidelines, 2015. Collection method: clinical testing. Allele origin: germline. Inheritance: Autosomal dominant inheritance. Affected: yes.
Comment: Based on the classification scheme VCGS_Germline_v1.3.4, this variant is classified as VUS-3A. Following criteria are met: 0102 - Loss of function is a likely mechanism of disease in this gene and is associated with developmental delay with or without dysmorphic facies and autism (MIM#618454). (I) 0107 - This gene is associated with autosomal dominant disease. (I) 0200 - Variant is predicted to result in a missense amino acid change from lysine to asparagine. (I) 0251 - This variant is heterozygous. (I) 0301 - Variant is absent from gnomAD (both v2 and v3). (SP) 0501 - Missense variant consistently predicted to be damaging by multiple in silico tools or highly conserved with a major amino acid change. (SP) 0600 - Variant is located in the annotated phosphatidylinositol 3- and 4-kinase domain (DECIPHER). (I) 0705 - No comparable missense variants have previous evidence for pathogenicity. (I) 0807 - This variant has no previous evidence of pathogenicity. (I) 0905 - No published segregation evidence has been identified for this variant. (I) 1007 - No published functional evidence has been identified for this variant. (SP) Legend: (SP) - Supporting pathogenic, (I) - Information, (SB) - Supporting benign